The following is an entry in ClinVar:

NM_001256007.3(PNPLA8):c.2259_2263del (p.Ser753fs)

Gene: PNPLA8 (patatin like domain 8, phospholipase A2; minus strand). Cytogenetic location: 7q31.1.
Variant type: Deletion.
Coding change: c.2259_2263del on transcript NM_001256007.3 (MANE Select); coding-DNA positions 2259 to 2263, 5 bases deleted (TCAAG; older notation c.2259_2263delTCAAG).
Protein change: p.Ser753fs; shifts the reading frame from serine 753.
Molecular consequence: frameshift variant.
Genome position (GRCh38, 1-based): chr7:108,472,487-108,472,491, CTTGA deleted on the plus strand (TCAAG on the coding strand, the reverse complement: PNPLA8 is on the minus strand); deleting any 5 consecutive bases within chr7:108,472,487-108,472,494 gives the same sequence; the c. name uses the placement nearest the transcript's 3' end. VCF-style (leftmost placement, unchanged base first): chr7-108472486-TCTTGA-T. GRCh37 (hg19) VCF-style: chr7-108112930-TCTTGA-T.
Other names: c.2259_2263del, p.Ser753fs (NM_001256008.3, NM_015723.5); c.2073_2077del, p.Ser691fs (NM_001256009.3); c.1959_1963del, p.Ser653fs (NM_001256010.3, NM_001256011.3); short protein forms S653fs, S691fs, S753fs.
Identifiers: ClinVar variation 2101064 (VCV002101064.4), dbSNP rs751849953, ClinGen allele CA4439352.

ClinVar aggregate classification (germline): Pathogenic (1 of 4 stars; one submission).

Submission:

Labcorp Genetics (formerly Invitae), Labcorp
Classification: Pathogenic. Last evaluated: 2025-06-20. Review status: criteria provided, single submitter. Criteria: Invitae Variant Classification Sherloc (09022015). Collection method: clinical testing. Allele origin: germline.
Comment: This sequence change creates a premature translational stop signal (p.Ser753Argfs*9) in the PNPLA8 gene. While this is not anticipated to result in nonsense mediated decay, it is expected to disrupt the last 30 amino acid(s) of the PNPLA8 protein. This variant is present in population databases (rs751849953, gnomAD 0.003%). This variant has not been reported in the literature in individuals affected with PNPLA8-related conditions. ClinVar contains an entry for this variant (Variation ID: 2101064). This variant disrupts a region of the PNPLA8 protein in which other variant(s) (p.Leu759Alafs*4) have been determined to be pathogenic (PMID: 25512002, 29681094). This suggests that this is a clinically significant region of the protein, and that variants that disrupt it are likely to be disease-causing. For these reasons, this variant has been classified as Pathogenic.

Literature cited by the submitters: PubMed 25512002; PubMed 29681094.